The following is an entry in ClinVar:

NM_153603.4(COG7):c.436-9C>G

Gene: COG7 (component of oligomeric golgi complex 7; minus strand). Cytogenetic location: 16p12.2.
Variant type: single nucleotide variant.
Coding change: c.436-9C>G on transcript NM_153603.4 (MANE Select); 9 bases into the intron before coding-DNA position 436, C replaced by G.
Molecular consequence: intron variant.
Genome position (GRCh38, 1-based): chr16:23,442,654, G>C on the plus strand (C>G on the coding strand, the complement: COG7 is on the minus strand). VCF-style: chr16-23442654-G-C. GRCh37 (hg19) VCF-style: chr16-23453975-G-C.
Other names: c.436-9C>G (NM_153603.3).
Identifiers: ClinVar variation 2848475 (VCV002848475.5), dbSNP rs146818767, ClinGen allele CA7961293.

ClinVar aggregate classification (germline): Likely benign. Review status: criteria provided, single submitter (1 of 4 stars). 2 submissions from 2 submitters: Likely benign (1). 1 of the submissions does not count toward it. Last evaluated 2025-12-11.

Conditions:
COG7-related disorder. Also called: COG7-related condition.
COG7 congenital disorder of glycosylation (CDG2E). Also called: CONGENITAL DISORDER OF GLYCOSYLATION, TYPE IIe; CDG IIe. Identifiers: Orphanet 79333, MedGen C2931010, MONDO:0012118, OMIM 608779.

Allele frequency attached by ClinVar (database versions not stated): gnomAD exomes 0.00003; gnomAD 0.00007; TOPMed 0.00010; ExAC 0.00012; 1000 Genomes Project 0.00040; 1000 Genomes Project 30x 0.00062.
gnomAD v4.1: 49 of 1,609,178 alleles (0.003%); highest among the groups gnomAD compares: East Asian, 0.1%; no homozygotes.

Submissions (2):

Labcorp Genetics (formerly Invitae), Labcorp
Classification: Likely benign for COG7 congenital disorder of glycosylation. Last evaluated: 2025-12-11. Review status: criteria provided, single submitter. Criteria: Invitae Variant Classification Sherloc (09022015). Collection method: clinical testing. Allele origin: germline.

PreventionGenetics, part of Exact Sciences
Classification: Likely benign for COG7-related condition. Last evaluated: 2019-05-28. Review status: no assertion criteria provided. Collection method: clinical testing. Allele origin: germline. Not counted in ClinVar's aggregate classification.
Comment: This variant is classified as likely benign based on ACMG/AMP sequence variant interpretation guidelines (Richards et al. 2015 PMID: 25741868, with internal and published modifications).